The following is an entry in ClinVar:

ClinVar aggregate classification (germline): Uncertain significance (1 of 4 stars; one submission).

Submission:

Ambry Genetics
Classification: Uncertain significance. Last evaluated: 2026-04-19. Review status: criteria provided, single submitter. Criteria: Ambry Variant Classification Scheme 2023. Collection method: clinical testing. Allele origin: germline.
Comment: The p.L14P variant (also known as c.41T>C), located in coding exon 1 of the TET2 gene, results from a T to C substitution at nucleotide position 41. The leucine at codon 14 is replaced by proline, an amino acid with similar properties. This amino acid position is conserved. In addition, the in silico prediction for this alteration is inconclusive. Based on the available evidence, the clinical significance of this variant remains unclear.

NM_001127208.3(TET2):c.41T>C (p.Leu14Pro)

Genes: TET2 (tet methylcytosine dioxygenase 2; plus strand), TET2-AS1 (TET2 antisense RNA 1; minus strand). Cytogenetic location: 4q24.
Variant type: single nucleotide variant.
Coding change: c.41T>C on transcript NM_001127208.3 (MANE Select); coding-DNA position 41, T replaced by C.
Protein change: p.Leu14Pro; replaces leucine 14 with proline.
Molecular consequence: missense variant.
Genome position (GRCh38, 1-based): chr4:105,233,983, T>C. VCF-style: chr4-105233983-T-C. GRCh37 (hg19) VCF-style: chr4-106155140-T-C.
Other names: c.41T>C, p.Leu14Pro (NM_017628.4); short protein forms L14P.
Identifiers: ClinVar variation 4865542 (VCV004865542.1).